The following is an entry in ClinVar:

ClinVar aggregate classification (germline): Uncertain significance (1 of 4 stars; one submission).

Conditions:
Inborn genetic diseases. Identifiers: MedGen C0950123, MeSH D030342.

Submission:

Ambry Genetics
Classification: Uncertain significance for Inborn genetic diseases. Last evaluated: 2021-07-29. Review status: criteria provided, single submitter. Criteria: Ambry Variant Classification Scheme 2023. Collection method: clinical testing. Allele origin: germline.
Comment: The p.Q147K variant (also known as c.439C>A), located in coding exon 6 of the ERCC2 gene, results from a C to A substitution at nucleotide position 439. The glutamine at codon 147 is replaced by lysine, an amino acid with similar properties. This amino acid position is conserved. In addition, the in silico prediction for this alteration is inconclusive. Since supporting evidence is limited at this time, the clinical significance of this alteration remains unclear.

NM_000400.4(ERCC2):c.439C>A (p.Gln147Lys)

Gene: ERCC2 (ERCC excision repair 2, TFIIH core complex helicase subunit; minus strand). Cytogenetic location: 19q13.32.
Variant type: single nucleotide variant.
Coding change: c.439C>A on transcript NM_000400.4 (MANE Select); coding-DNA position 439, C replaced by A.
Protein change: p.Gln147Lys; replaces glutamine 147 with lysine.
Molecular consequence: missense variant.
Genome position (GRCh38, 1-based): chr19:45,365,080, G>T on the plus strand (C>A on the coding strand, the complement: ERCC2 is on the minus strand). VCF-style: chr19-45365080-G-T. GRCh37 (hg19) VCF-style: chr19-45868338-G-T.
Other names: c.367C>A, p.Gln123Lys (NM_001130867.2); short protein forms Q147K, Q123K.
Identifiers: ClinVar variation 1740275 (VCV001740275.2), dbSNP rs2123296002, ClinGen allele CA406375940.
Genomic context (GRCh38, chr19:45,365,080, plus strand): 5'-CTCAGCCCTGCCCTCCAGTAACCTCATAGAATCGGCAGTGGGGCAGGCTGGTGTCATGCT[G>T]GTACTGCGCCCGCACATAGGAGGCTGTGAGGCTGTGGCATTTCCCATCGACGTCCTTCCC-3'
Protein context (NP_000391.1, residues 137-157): LTASYVRAQY[Gln147Lys]HDTSLPHCRF